The following is an entry in ClinVar:

NM_001349338.3(FOXP1):c.1432A>C (p.Ile478Leu)

Genes: FOXP1 (forkhead box P1; minus strand), LOC126806714 (BRD4-independent group 4 enhancer GRCh37_chr3:71025197-71026396; plus strand). Cytogenetic location: 3p13.
Variant type: single nucleotide variant.
Coding change: c.1432A>C on transcript NM_001349338.3 (MANE Select); coding-DNA position 1432, A replaced by C.
Protein change: p.Ile478Leu; replaces isoleucine 478 with leucine.
Molecular consequence: missense variant. On other transcripts: non-coding transcript variant (2).
Genome position (GRCh38, 1-based): chr3:70,977,039, T>G on the plus strand (A>C on the coding strand, the complement: FOXP1 is on the minus strand). VCF-style: chr3-70977039-T-G. GRCh37 (hg19) VCF-style: chr3-71026190-T-G.
Other names: c.1429A>C, p.Ile477Leu (NM_001244808.3, NM_001349341.3); c.1432A>C, p.Ile478Leu (NM_001244810.2, NM_001244814.3, NM_001244816.2 and 3 more transcripts); c.1204A>C, p.Ile402Leu (NM_001244812.3); c.1132A>C, p.Ile378Leu (NM_001244813.3, NM_001244815.2, NM_001349342.3); c.1129A>C, p.Ile377Leu (NM_001349337.2, NM_001349343.3, NM_001349344.3 and 1 more transcripts); short protein forms I377L, I378L, I402L, I477L, I478L.
Identifiers: ClinVar variation 1720040 (VCV001720040.6), dbSNP rs2545110740, ClinGen allele CA353493171.
Genomic context (GRCh38, chr3:70,977,039, plus strand): 5'-TTCGTGTGAACCAGTTATAGATCTCATTTAGTGTTAGCTGCTTTTCTGGAGATTCGAGAA[T>G]GGCCTGTGAAGCAGAATGTAACAGAAGATAATTTATGACCAAATCAGCAGAGTCGTCATT-3'
Protein context (NP_001336267.1, residues 468-488): FTYASLIRQA[Ile478Leu]LESPEKQLTL

ClinVar aggregate classification (germline): Uncertain significance (1 of 4 stars; one submission).

Submission:

Labcorp Genetics (formerly Invitae), Labcorp
Classification: Uncertain significance. Last evaluated: 2022-09-22. Review status: criteria provided, single submitter. Criteria: Invitae Variant Classification Sherloc (09022015). Collection method: clinical testing. Allele origin: germline.
Comment: In summary, the available evidence is currently insufficient to determine the role of this variant in disease. Therefore, it has been classified as a Variant of Uncertain Significance. Advanced modeling of protein sequence and biophysical properties (such as structural, functional, and spatial information, amino acid conservation, physicochemical variation, residue mobility, and thermodynamic stability) has been performed at Invitae for this missense variant, however the output from this modeling did not meet the statistical confidence thresholds required to predict the impact of this variant on FOXP1 protein function. This variant has not been reported in the literature in individuals affected with FOXP1-related conditions. This variant is not present in population databases (gnomAD no frequency). This sequence change replaces isoleucine, which is neutral and non-polar, with leucine, which is neutral and non-polar, at codon 478 of the FOXP1 protein (p.Ile478Leu).